The following is an entry in ClinVar:

NM_015047.3(EMC1):c.1295T>A (p.Phe432Tyr)

Genes: EMC1 (ER membrane protein complex subunit 1; minus strand), EMC1-AS1 (EMC1 antisense RNA 1; plus strand). Cytogenetic location: 1p36.13.
Variant type: single nucleotide variant.
Coding change: c.1295T>A on transcript NM_015047.3 (MANE Select); coding-DNA position 1295, T replaced by A.
Protein change: p.Phe432Tyr; replaces phenylalanine 432 with tyrosine.
Molecular consequence: missense variant.
Genome position (GRCh38, 1-based): chr1:19,237,156, A>T on the plus strand (T>A on the coding strand, the complement: EMC1 is on the minus strand). VCF-style: chr1-19237156-A-T. GRCh37 (hg19) VCF-style: chr1-19563650-A-T.
Other names: c.1292T>A, p.Phe431Tyr (NM_001271427.2, NM_001375821.1); c.1295T>A, p.Phe432Tyr (NM_001271428.2, NM_001375820.1); c.1229T>A, p.Phe410Tyr (NM_001271429.2); short protein forms F410Y, F431Y, F432Y.
Identifiers: ClinVar variation 1968096 (VCV001968096.5), dbSNP rs757316887, ClinGen allele CA652611.

ClinVar aggregate classification (germline): Uncertain significance (1 of 4 stars; one submission).

Allele frequency attached by ClinVar (database versions not stated): ExAC 0.00001.
gnomAD v4.1: 5 of 1,613,414 alleles (0.00031%); highest among the groups gnomAD compares: Non-Finnish European, 0.00042%; no homozygotes.

Submission:

Labcorp Genetics (formerly Invitae), Labcorp
Classification: Uncertain significance. Last evaluated: 2024-03-07. Review status: criteria provided, single submitter. Criteria: Invitae Variant Classification Sherloc (09022015). Collection method: clinical testing. Allele origin: germline.
Comment: This sequence change replaces phenylalanine, which is neutral and non-polar, with tyrosine, which is neutral and polar, at codon 432 of the EMC1 protein (p.Phe432Tyr). This variant is present in population databases (rs757316887, gnomAD 0.0009%). This variant has not been reported in the literature in individuals affected with EMC1-related conditions. ClinVar contains an entry for this variant (Variation ID: 1968096). Advanced modeling of protein sequence and biophysical properties (such as structural, functional, and spatial information, amino acid conservation, physicochemical variation, residue mobility, and thermodynamic stability) performed at Invitae indicates that this missense variant is not expected to disrupt EMC1 protein function with a negative predictive value of 80%. In summary, the available evidence is currently insufficient to determine the role of this variant in disease. Therefore, it has been classified as a Variant of Uncertain Significance.